The following is an entry in ClinVar:

ClinVar aggregate classification (germline): Likely benign (0 of 4 stars; one submission).

Conditions:
SERPINF1-related disorder. Also called: SERPINF1-related condition.

Submission:

PreventionGenetics, part of Exact Sciences
Classification: Likely benign for SERPINF1-related condition. Last evaluated: 2019-10-17. Review status: no assertion criteria provided. Collection method: clinical testing. Allele origin: germline.
Comment: This variant is classified as likely benign based on ACMG/AMP sequence variant interpretation guidelines (Richards et al. 2015 PMID: 25741868, with internal and published modifications).

NM_002615.7(SERPINF1):c.786+10G>T

Gene: SERPINF1 (serpin family F member 1; plus strand). Cytogenetic location: 17p13.3.
Variant type: single nucleotide variant.
Coding change: c.786+10G>T on transcript NM_002615.7 (MANE Select); 10 bases into the intron after coding-DNA position 786, G replaced by T.
Molecular consequence: intron variant.
Genome position (GRCh38, 1-based): chr17:1,775,210, G>T. VCF-style: chr17-1775210-G-T. GRCh37 (hg19) VCF-style: chr17-1678504-G-T.
Other names: c.225+10G>T (NM_001329904.2, NM_001329905.2); c.786+10G>T (NM_001329903.2).
Identifiers: ClinVar variation 3045085 (VCV003045085.2), dbSNP rs964055089, ClinGen allele CA2576114702.